The following is an entry in ClinVar:

ClinVar aggregate classification (germline): Uncertain significance (1 of 4 stars; one submission).

Submission:

CeGaT Center for Human Genetics Tuebingen
Classification: Uncertain significance. Last evaluated: 2023-10-01. Review status: criteria provided, single submitter. Criteria: CeGaT Center For Human Genetics Tuebingen Variant Classification Criteria Version 2. Collection method: clinical testing. Allele origin: germline. Affected: yes. Observed: 1 variant allele.
Comment: HYDIN: PM2, BP4

NM_001270974.2(HYDIN):c.4444A>G (p.Asn1482Asp)

Gene: HYDIN (HYDIN axonemal central pair apparatus protein; minus strand). Cytogenetic location: 16q22.2.
Variant type: single nucleotide variant.
Coding change: c.4444A>G on transcript NM_001270974.2 (MANE Select); coding-DNA position 4444, A replaced by G.
Protein change: p.Asn1482Asp; replaces asparagine 1482 with aspartic acid.
Molecular consequence: missense variant.
Genome position (GRCh38, 1-based): chr16:70,981,457, T>C on the plus strand (A>G on the coding strand, the complement: HYDIN is on the minus strand). VCF-style: chr16-70981457-T-C. GRCh37 (hg19) VCF-style: chr16-71015360-T-C.
Other names: short protein forms N1482D.
Identifiers: ClinVar variation 2646774 (VCV002646774.24), dbSNP rs2507174787, ClinGen allele CA396631323.